The following is an entry in ClinVar:

NM_000303.3(PMM2):c.687C>G (p.Tyr229Ter)

Gene: PMM2 (phosphomannomutase 2; plus strand). Cytogenetic location: 16p13.2.
Variant type: single nucleotide variant.
Coding change: c.687C>G on transcript NM_000303.3 (MANE Select); coding-DNA position 687, C replaced by G.
Protein change: p.Tyr229Ter; replaces tyrosine 229 with a stop codon.
Molecular consequence: nonsense.
Genome position (GRCh38, 1-based): chr16:8,847,771, C>G. VCF-style: chr16-8847771-C-G. GRCh37 (hg19) VCF-style: chr16-8941628-C-G.
Other names: short protein forms Y229*.
Identifiers: ClinVar variation 641858 (VCV000641858.14), dbSNP rs148759949, ClinGen allele CA277500400.
Genomic context (GRCh38, chr16:8,847,771, plus strand): 5'-CGTGTCTTTCCAGGGTGGCAATGACCATGAGATCTTCACAGACCCCAGAACCATGGGCTA[C>G]TCCGTGACAGCGCCTGAGGACACGCGCAGGATCTGTGAACTGCTGTTCTCCTAACGTGGG-3'

ClinVar aggregate classification (germline): Pathogenic/Likely pathogenic. Review status: criteria provided, multiple submitters, no conflicts (2 of 4 stars). 3 submissions from 3 submitters: Pathogenic (1); Likely pathogenic (2). Last evaluated 2024-03-19.

Conditions:
PMM2-congenital disorder of glycosylation. Also called: JAEKEN SYNDROME; PHOSPHOMANNOMUTASE 2 DEFICIENCY; CARBOHYDRATE-DEFICIENT GLYCOPROTEIN SYNDROME, TYPE Ia; CDG Ia; Congenital disorder of glycosylation, type Ia; PMM2-CDG. Identifiers: Orphanet 79318, MedGen C0349653, MONDO:0008907, OMIM 212065.

Allele frequency attached by ClinVar (database versions not stated): TOPMed below 0.00001.
gnomAD v4.1: 12 of 1,614,108 alleles (0.00074%); highest among the groups gnomAD compares: Non-Finnish European, 0.001%; no homozygotes.

Submissions (3):

Natera, Inc.
Classification: Likely pathogenic for Congenital disorder of glycosylation type 1a. Last evaluated: 2024-03-19. Review status: criteria provided, single submitter. Criteria: Natera Variant Classification Schema (03/2026). Collection method: clinical testing. Allele origin: germline.
Comment: The c.687C>G variant in PMM2 is a nonsense variant predicted to introduce a stop codon at amino acid 229. This variant is rare in the general population with a frequency below the threshold expected for the associated phenotype(s). This variant has been observed in one or more individuals affected with the associated recessive disease, as either homozygous or compound heterozygous with a second variant (PMID: 21541725). Given the available evidence, this variant is classified as Likely Pathogenic.

Labcorp Genetics (formerly Invitae), Labcorp
Classification: Pathogenic for PMM2-congenital disorder of glycosylation. Last evaluated: 2023-07-25. Review status: criteria provided, single submitter. Criteria: Invitae Variant Classification Sherloc (09022015). Collection method: clinical testing. Allele origin: germline.
Comment: This sequence change creates a premature translational stop signal (p.Tyr229*) in the PMM2 gene. While this is not anticipated to result in nonsense mediated decay, it is expected to disrupt the last 18 amino acid(s) of the PMM2 protein. This variant is not present in population databases (gnomAD no frequency). This variant has not been reported in the literature in individuals affected with PMM2-related conditions. ClinVar contains an entry for this variant (Variation ID: 641858). Algorithms developed to predict the effect of sequence changes on RNA splicing suggest that this variant may disrupt the consensus splice site. This variant disrupts a region of the PMM2 protein in which other variant(s) (p.Cys241Ser) have been determined to be pathogenic (PMID: 11156536, 11715002, 15844218, 21541725, 22012410, 25355454, 26014514). This suggests that this is a clinically significant region of the protein, and that variants that disrupt it are likely to be disease-causing. For these reasons, this variant has been classified as Pathogenic.

Fulgent Genetics
Classification: Likely pathogenic for PMM2-congenital disorder of glycosylation. Last evaluated: 2022-01-28. Review status: criteria provided, single submitter. Criteria: ACMG Guidelines, 2015. Collection method: clinical testing. Allele origin: unknown.

Literature cited by the submitters: PubMed 21541725 (cited by Natera, Inc. and Labcorp Genetics (formerly Invitae), Labcorp); PubMed 11156536 (cited by Labcorp Genetics (formerly Invitae), Labcorp); PubMed 11715002 (cited by Labcorp Genetics (formerly Invitae), Labcorp); PubMed 15844218 (cited by Labcorp Genetics (formerly Invitae), Labcorp); PubMed 22012410 (cited by Labcorp Genetics (formerly Invitae), Labcorp); PubMed 25355454 (cited by Labcorp Genetics (formerly Invitae), Labcorp); PubMed 26014514 (cited by Labcorp Genetics (formerly Invitae), Labcorp).